The following is an entry in ClinVar:

NM_000521.4(HEXB):c.587A>T (p.Asp196Val)

Gene: HEXB (hexosaminidase subunit beta; plus strand). Cytogenetic location: 5q13.3.
Variant type: single nucleotide variant.
Coding change: c.587A>T on transcript NM_000521.4 (MANE Select); coding-DNA position 587, A replaced by T.
Protein change: p.Asp196Val; replaces aspartic acid 196 with valine.
Molecular consequence: missense variant. On other transcripts: 5 prime UTR variant (1).
Genome position (GRCh38, 1-based): chr5:74,697,024, A>T. VCF-style: chr5-74697024-A-T. GRCh37 (hg19) VCF-style: chr5-73992849-A-T.
Other names: c.-89A>T (NM_001292004.2); short protein forms D196V.
Identifiers: ClinVar variation 2234308 (VCV002234308.2), dbSNP rs398123449, ClinGen allele CA360063942.

ClinVar aggregate classification (germline): Uncertain significance (1 of 4 stars; one submission).

Conditions:
Inborn genetic diseases. Identifiers: MedGen C0950123, MeSH D030342.

Submission:

Ambry Genetics
Classification: Uncertain significance for Inborn genetic diseases. Last evaluated: 2021-08-09. Review status: criteria provided, single submitter. Criteria: Ambry Variant Classification Scheme 2023. Collection method: clinical testing. Allele origin: germline.
Comment: The c.587A>T (p.D196V) alteration is located in exon 5 (coding exon 5) of the HEXB gene. This alteration results from an A to T substitution at nucleotide position 587, causing the aspartic acid (D) at amino acid position 196 to be replaced by a valine (V). This variant was not reported in population-based cohorts in the Genome Aggregation Database (gnomAD). This amino acid position is highly conserved in available vertebrate species. This alteration is predicted to be deleterious by in silico analysis. Based on insufficient or conflicting evidence, the clinical significance of this alteration remains unclear.